The following is an entry in ClinVar:

NM_024675.4(PALB2):c.1833del (p.Gln613fs)

Gene: PALB2 (partner and localizer of BRCA2; minus strand). Cytogenetic location: 16p12.2.
Variant type: Deletion.
Coding change: c.1833del on transcript NM_024675.4 (MANE Select); coding-DNA position 1833, one base deleted (C; older notation c.1833delC).
Protein change: p.Gln613fs; shifts the reading frame from glutamine 613.
Molecular consequence: frameshift variant. On other transcripts: intron variant (1).
Genome position (GRCh38, 1-based): chr16:23,630,321, G deleted on the plus strand (C on the coding strand, the reverse complement: PALB2 is on the minus strand). VCF-style (leftmost placement, unchanged base first): chr16-23630320-AG-A. GRCh37 (hg19) VCF-style: chr16-23641641-AG-A.
Other names: c.1773del, p.Gln593fs (NM_001407296.1); c.1833del, p.Gln613fs (NM_001407297.1, NM_001407299.1, NM_001407301.1 and 3 more transcripts); c.948del, p.Gln318fs (NM_001407304.1, NM_001407305.1, NM_001407306.1 and 5 more transcripts); c.45del, p.Gln17fs (NM_001407312.1, NM_001407313.1); c.49-1046del (NM_001407314.1); short protein forms Q17fs, Q318fs, Q593fs, Q613fs.
Identifiers: ClinVar variation 3647381 (VCV003647381.2).

ClinVar aggregate classification (germline): Pathogenic (1 of 4 stars; one submission).

Conditions:
Familial cancer of breast. Also called: hereditary breast carcinoma; BREAST CANCER, FAMILIAL; Hereditary breast cancer. Identifiers: Orphanet 227535, MedGen C0346153, MONDO:0016419, OMIM 114480. Disease mechanism: loss of function.

Submission:

Labcorp Genetics (formerly Invitae), Labcorp
Classification: Pathogenic for Familial cancer of breast. Last evaluated: 2024-03-23. Review status: criteria provided, single submitter. Criteria: Invitae Variant Classification Sherloc (09022015). Collection method: clinical testing. Allele origin: germline.
Comment: This sequence change creates a premature translational stop signal (p.Gln613Serfs*15) in the PALB2 gene. It is expected to result in an absent or disrupted protein product. Loss-of-function variants in PALB2 are known to be pathogenic (PMID: 17200668, 17200671, 17200672, 24136930, 25099575). This variant is not present in population databases (gnomAD no frequency). This variant has not been reported in the literature in individuals affected with PALB2-related conditions. For these reasons, this variant has been classified as Pathogenic.

Literature cited by the submitters: PubMed 17200668; PubMed 17200671; PubMed 17200672; PubMed 24136930; PubMed 25099575.